The following is an entry in ClinVar:

NM_001379610.1(SPINK1):c.162del (p.Asn56fs)

Gene: SPINK1 (serine peptidase inhibitor Kazal type 1; minus strand). Cytogenetic location: 5q32.
Variant type: Deletion.
Coding change: c.162del on transcript NM_001379610.1 (MANE Select); coding-DNA position 162, one base deleted (T; older notation c.162delT).
Protein change: p.Asn56fs; shifts the reading frame from asparagine 56.
Molecular consequence: frameshift variant.
Genome position (GRCh38, 1-based): chr5:147,828,054, A deleted on the plus strand (T on the coding strand, the reverse complement: SPINK1 is on the minus strand). VCF-style (leftmost placement, unchanged base first): chr5-147828053-GA-G. GRCh37 (hg19) VCF-style: chr5-147207616-GA-G.
Other names: c.162del, p.Asn56fs (NM_001354966.2, NM_003122.5); short protein forms N56fs.
Identifiers: ClinVar variation 1776795 (VCV001776795.2), dbSNP rs2480198981, ClinGen allele CA2580073059.

ClinVar aggregate classification (germline): Likely pathogenic (1 of 4 stars; one submission).

Conditions:
Hereditary pancreatitis (PCTT). Also called: Hereditary chronic pancreatitis; PRSS1-Related Hereditary Pancreatitis. Identifiers: Orphanet 676, MedGen C0238339, MONDO:0008185, OMIM 167800.

Submission:

Ambry Genetics
Classification: Likely pathogenic for Hereditary pancreatitis. Last evaluated: 2021-12-01. Review status: criteria provided, single submitter. Criteria: Ambry Variant Classification Scheme 2023. Collection method: clinical testing. Allele origin: germline.
Comment: The c.162delT variant, located in coding exon 3 of the SPINK1 gene, results from a deletion of one nucleotide at nucleotide position 162, causing a translational frameshift with a predicted alternate stop codon (p.N56Mfs*39). This alteration occurs at the 3' terminus of the SPINK1 gene, is not expected to trigger nonsense-mediated mRNAdecay and results in the elongation of the protein by 13 amino acids. This frameshift impacts the last 25amino acids of the native protein. However, frameshifts are typically deleterious in nature and a significant portion of the protein is affected (Ambry internal data). This variant is considered to be rare based on population cohorts in the Genome Aggregation Database (gnomAD). Based on the majority of available evidence to date, this variant is likely to be pathogenic.